The following is an entry in ClinVar:

ClinVar aggregate classification (germline): Uncertain significance (1 of 4 stars; one submission).

Conditions:
Primary ciliary dyskinesia. Also called: Ciliary dyskinesia. Identifiers: Orphanet 244, MedGen C0008780, MONDO:0016575, HP:0012265.

Allele frequency attached by ClinVar (database versions not stated): gnomAD exomes below 0.00001; ExAC 0.00001.
gnomAD v4.1: 1 of 1,614,074 alleles (0.000062%); highest among the groups gnomAD compares: South Asian, 0.0011%; no homozygotes.

Submission:

Labcorp Genetics (formerly Invitae), Labcorp
Classification: Uncertain significance for Primary ciliary dyskinesia. Last evaluated: 2023-08-23. Review status: criteria provided, single submitter. Criteria: Invitae Variant Classification Sherloc (09022015). Collection method: clinical testing. Allele origin: germline.
Comment: In summary, the available evidence is currently insufficient to determine the role of this variant in disease. Therefore, it has been classified as a Variant of Uncertain Significance. Advanced modeling of protein sequence and biophysical properties (such as structural, functional, and spatial information, amino acid conservation, physicochemical variation, residue mobility, and thermodynamic stability) performed at Invitae indicates that this missense variant is expected to disrupt DNAH8 protein function. This variant has not been reported in the literature in individuals affected with DNAH8-related conditions. This variant is present in population databases (rs774127036, gnomAD 0.003%). This sequence change replaces proline, which is neutral and non-polar, with leucine, which is neutral and non-polar, at codon 4523 of the DNAH8 protein (p.Pro4523Leu).

NM_001206927.2(DNAH8):c.13568C>T (p.Pro4523Leu)

Gene: DNAH8 (dynein axonemal heavy chain 8; plus strand). Cytogenetic location: 6p21.2.
Variant type: single nucleotide variant.
Coding change: c.13568C>T on transcript NM_001206927.2 (MANE Select); coding-DNA position 13568, C replaced by T.
Protein change: p.Pro4523Leu; replaces proline 4523 with leucine.
Molecular consequence: missense variant.
Genome position (GRCh38, 1-based): chr6:39,012,491, C>T. VCF-style: chr6-39012491-C-T. GRCh37 (hg19) VCF-style: chr6-38980267-C-T.
Other names: c.12917C>T, p.Pro4306Leu (NM_001371.4); short protein forms P4306L, P4523L.
Identifiers: ClinVar variation 2799818 (VCV002799818.3), dbSNP rs774127036, ClinGen allele CA3791708.